The following is an entry in ClinVar:

NM_003072.5(SMARCA4):c.170C>A (p.Pro57His)

Gene: SMARCA4 (SWI/SNF related BAF chromatin remodeling complex subunit ATPase 4; plus strand). Cytogenetic location: 19p13.2.
Variant type: single nucleotide variant.
Coding change: c.170C>A on transcript NM_003072.5 (MANE Select); coding-DNA position 170, C replaced by A.
Protein change: p.Pro57His; replaces proline 57 with histidine.
Molecular consequence: missense variant. On other transcripts: non-coding transcript variant (1).
Genome position (GRCh38, 1-based): chr19:10,984,321, C>A. VCF-style: chr19-10984321-C-A. GRCh37 (hg19) VCF-style: chr19-11094997-C-A.
Other names: c.170C>A, p.Pro57His (NM_001128844.3, NM_001128845.2, NM_001128846.2 and 6 more transcripts); short protein forms P57H.
Identifiers: ClinVar variation 2094382 (VCV002094382.4), dbSNP rs1568417458, ClinGen allele CA404054541.

ClinVar aggregate classification (germline): Uncertain significance (1 of 4 stars; one submission).

Conditions:
Rhabdoid tumor predisposition syndrome 2 (RTPS2). Identifiers: Orphanet 231108, Orphanet 69077, MedGen C2750074, MONDO:0013224, OMIM 613325.

Submission:

Labcorp Genetics (formerly Invitae), Labcorp
Classification: Uncertain significance for Rhabdoid tumor predisposition syndrome 2. Last evaluated: 2022-02-07. Review status: criteria provided, single submitter. Criteria: Invitae Variant Classification Sherloc (09022015). Collection method: clinical testing. Allele origin: germline.
Comment: This variant is not present in population databases (gnomAD no frequency). In summary, the available evidence is currently insufficient to determine the role of this variant in disease. Therefore, it has been classified as a Variant of Uncertain Significance. Algorithms developed to predict the effect of missense changes on protein structure and function are either unavailable or do not agree on the potential impact of this missense change (SIFT: "Deleterious"; PolyPhen-2: "Benign"; Align-GVGD: "Class C65"). This variant has not been reported in the literature in individuals affected with SMARCA4-related conditions. This sequence change replaces proline, which is neutral and non-polar, with histidine, which is basic and polar, at codon 57 of the SMARCA4 protein (p.Pro57His).